The following is an entry in ClinVar:

NM_015338.6(ASXL1):c.3800C>T (p.Thr1267Ile)

Gene: ASXL1 (ASXL transcriptional regulator 1; plus strand). Cytogenetic location: 20q11.21.
Variant type: single nucleotide variant.
Coding change: c.3800C>T on transcript NM_015338.6 (MANE Select); coding-DNA position 3800, C replaced by T.
Protein change: p.Thr1267Ile; replaces threonine 1267 with isoleucine.
Molecular consequence: missense variant.
Genome position (GRCh38, 1-based): chr20:32,436,512, C>T. VCF-style: chr20-32436512-C-T. GRCh37 (hg19) VCF-style: chr20-31024315-C-T.
Other names: c.3617C>T, p.Thr1206Ile (NM_001363734.1); short protein forms T1206I, T1267I.
Identifiers: ClinVar variation 4588821 (VCV004588821.1).

ClinVar aggregate classification (germline): Uncertain significance (1 of 4 stars; one submission).

Conditions:
Inborn genetic diseases. Identifiers: MedGen C0950123, MeSH D030342.

Submission:

Ambry Genetics
Classification: Uncertain significance for Inborn genetic diseases. Last evaluated: 2025-11-29. Review status: criteria provided, single submitter. Criteria: Ambry Variant Classification Scheme 2023. Collection method: clinical testing. Allele origin: germline.
Comment: The p.T1267I variant (also known as c.3800C>T), located in coding exon 13 of the ASXL1 gene, results from a C to T substitution at nucleotide position 3800. The threonine at codon 1267 is replaced by isoleucine, an amino acid with similar properties. This amino acid position is conserved. In addition, this alteration is predicted to be tolerated by in silico analysis. Based on the available evidence, the clinical significance of this variant remains unclear.